The following is an entry in ClinVar:

NM_078470.6(COX15):c.1000G>T (p.Val334Phe)

Gene: COX15 (cytochrome c oxidase assembly factor COX15; minus strand). Cytogenetic location: 10q24.2.
Variant type: single nucleotide variant.
Coding change: c.1000G>T on transcript NM_078470.6 (MANE Select); coding-DNA position 1000, G replaced by T.
Protein change: p.Val334Phe; replaces valine 334 with phenylalanine.
Molecular consequence: missense variant. On other transcripts: non-coding transcript variant (1).
Genome position (GRCh38, 1-based): chr10:99,716,449, C>A on the plus strand (G>T on the coding strand, the complement: COX15 is on the minus strand). VCF-style: chr10-99716449-C-A. GRCh37 (hg19) VCF-style: chr10-101476206-C-A.
Other names: p.V334F:GTC>TTC; c.1000G>T, p.Val334Phe (NM_001320974.2, NM_001372024.1, NM_001372027.1 and 1 more transcripts); c.845G>T, p.Ser282Ile (NM_001320975.2, NM_001372028.1); c.463G>T, p.Val155Phe (NM_001320976.2); c.1018G>T, p.Val340Phe (NM_001372025.1); c.973G>T, p.Val325Phe (NM_001372026.1); short protein forms V334F, S282I, V155F, V340F, V325F.
Identifiers: ClinVar variation 214251 (VCV000214251.47), dbSNP rs771639452, ClinGen allele CA322676.

ClinVar aggregate classification (germline): Conflicting classifications of pathogenicity. Review status: criteria provided, conflicting classifications (1 of 4 stars). 5 submissions from 5 submitters: Uncertain significance (4); Likely benign (1). Last evaluated 2024-11-20.

Conditions:
Inborn genetic diseases. Identifiers: MedGen C0950123, MeSH D030342.

Allele frequency attached by ClinVar (database versions not stated): gnomAD 0.00003 and 0.00004; gnomAD exomes 0.00004 and 0.00006; TOPMed 0.00004; ExAC 0.00006.
gnomAD v4.1: 68 of 1,610,556 alleles (0.0042%); highest among the groups gnomAD compares: Non-Finnish European, 0.0057%; no homozygotes.

Submissions (5):

Blueprint Genetics
Classification: Likely benign. Last evaluated: 2024-11-20. Review status: criteria provided, single submitter. Criteria: ACMG Guidelines, 2015. Collection method: clinical testing. Allele origin: germline.

GeneDx
Classification: Uncertain significance. Last evaluated: 2023-09-18. Review status: criteria provided, single submitter. Criteria: GeneDx Variant Classification Process June 2021. Collection method: clinical testing. Allele origin: germline. Affected: yes.
Comment: Not observed at significant frequency in large population cohorts (gnomAD); In silico analysis supports that this missense variant does not alter protein structure/function; Has not been previously published as pathogenic or benign to our knowledge

Labcorp Genetics (formerly Invitae), Labcorp
Classification: Uncertain significance. Last evaluated: 2022-11-01. Review status: criteria provided, single submitter. Criteria: Invitae Variant Classification Sherloc (09022015). Collection method: clinical testing. Allele origin: germline.
Comment: This sequence change replaces valine, which is neutral and non-polar, with phenylalanine, which is neutral and non-polar, at codon 334 of the COX15 protein (p.Val334Phe). The frequency data for this variant in the population databases is considered unreliable, as metrics indicate poor data quality at this position in the gnomAD database. This variant has not been reported in the literature in individuals affected with COX15-related conditions. ClinVar contains an entry for this variant (Variation ID: 214251). Algorithms developed to predict the effect of missense changes on protein structure and function are either unavailable or do not agree on the potential impact of this missense change (SIFT: "Not Available"; PolyPhen-2: "Benign"; Align-GVGD: "Not Available"). In summary, the available evidence is currently insufficient to determine the role of this variant in disease. Therefore, it has been classified as a Variant of Uncertain Significance.

Ambry Genetics
Classification: Uncertain significance for Inborn genetic diseases. Last evaluated: 2022-02-10. Review status: criteria provided, single submitter. Criteria: Ambry Variant Classification Scheme 2023. Collection method: clinical testing. Allele origin: germline.

CeGaT Center for Human Genetics Tuebingen
Classification: Uncertain significance. Last evaluated: 2017-05-01. Review status: criteria provided, single submitter. Criteria: CeGaT Center For Human Genetics Tuebingen Variant Classification Criteria Version 2. Collection method: clinical testing. Allele origin: germline. Affected: yes. Observed: 1 variant allele.